The following is an entry in ClinVar:

NM_005245.4(FAT1):c.8306A>G (p.Glu2769Gly)

Gene: FAT1 (FAT atypical cadherin 1; minus strand). Cytogenetic location: 4q35.2.
Variant type: single nucleotide variant.
Coding change: c.8306A>G on transcript NM_005245.4 (MANE Select); coding-DNA position 8306, A replaced by G.
Protein change: p.Glu2769Gly; replaces glutamic acid 2769 with glycine.
Molecular consequence: missense variant.
Genome position (GRCh38, 1-based): chr4:186,618,280, T>C on the plus strand (A>G on the coding strand, the complement: FAT1 is on the minus strand). VCF-style: chr4-186618280-T-C. GRCh37 (hg19) VCF-style: chr4-187539434-T-C.
Other names: short protein forms E2769G.
Identifiers: ClinVar variation 3061243 (VCV003061243.2), dbSNP rs769198110, ClinGen allele CA3165901.

ClinVar aggregate classification (germline): Uncertain significance (0 of 4 stars; one submission).

Conditions:
FAT1-related disorder. Also called: FAT1-related condition.

Allele frequency attached by ClinVar (database versions not stated): ExAC 0.00001.

Submission:

PreventionGenetics, part of Exact Sciences
Classification: Uncertain significance for FAT1-related condition. Last evaluated: 2024-02-07. Review status: no assertion criteria provided. Collection method: clinical testing. Allele origin: germline.
Comment: The FAT1 c.8306A>G variant is predicted to result in the amino acid substitution p.Glu2769Gly. To our knowledge, this variant has not been reported in the literature or in a large population database, indicating this variant is rare. At this time, the clinical significance of this variant is uncertain due to the absence of conclusive functional and genetic evidence.